The following is an entry in ClinVar:

ClinVar aggregate classification (germline): Pathogenic/Likely pathogenic. Review status: criteria provided, multiple submitters, no conflicts (2 of 4 stars). 2 submissions from 2 submitters: Pathogenic (1); Likely pathogenic (1). Last evaluated 2022-10-17.

Conditions:
RYR1-related disorder. Also called: RYR1-related condition; RYR1-related disorders. Identifiers: MedGen CN239331.

Submissions (2):

Labcorp Genetics (formerly Invitae), Labcorp
Classification: Pathogenic for RYR1-related disorder. Last evaluated: 2022-10-17. Review status: criteria provided, single submitter. Criteria: Invitae Variant Classification Sherloc (09022015). Collection method: clinical testing. Allele origin: germline.
Comment: This variant has not been reported in the literature in individuals affected with RYR1-related conditions. For these reasons, this variant has been classified as Pathogenic. ClinVar contains an entry for this variant (Variation ID: 1325030). This sequence change creates a premature translational stop signal (p.Gly3328Alafs*8) in the RYR1 gene. It is expected to result in an absent or disrupted protein product. Loss-of-function variants in RYR1 are known to be pathogenic (PMID: 20583297, 20839240, 23919265, 28818389). This variant is not present in population databases (gnomAD no frequency).

Revvity Omics, Revvity
Classification: Likely pathogenic. Last evaluated: 2021-11-05. Review status: criteria provided, single submitter. Criteria: ACMG Guidelines, 2015. Collection method: clinical testing. Allele origin: germline.

Literature cited by the submitters: PubMed 20583297 (cited by Labcorp Genetics (formerly Invitae), Labcorp); PubMed 20839240 (cited by Labcorp Genetics (formerly Invitae), Labcorp); PubMed 23919265 (cited by Labcorp Genetics (formerly Invitae), Labcorp); PubMed 28818389 (cited by Labcorp Genetics (formerly Invitae), Labcorp).

NM_000540.3(RYR1):c.9983del (p.Gly3328fs)

Gene: RYR1 (ryanodine receptor 1; plus strand). Cytogenetic location: 19q13.2.
Variant type: Deletion.
Coding change: c.9983del on transcript NM_000540.3 (MANE Select); coding-DNA position 9983, one base deleted (G; older notation c.9983delG).
Protein change: p.Gly3328fs; shifts the reading frame from glycine 3328.
Molecular consequence: frameshift variant.
Genome position (GRCh38, 1-based): chr19:38,517,656, G deleted; the last of 3 consecutive G bases (chr19:38,517,654-38,517,656); deleting any one gives the same sequence. VCF-style (leftmost placement, unchanged base first): chr19-38517653-TG-T. GRCh37 (hg19) VCF-style: chr19-39008293-TG-T.
Other names: c.9983del, p.Gly3328fs (NM_001042723.2); short protein forms G3328fs.
Identifiers: ClinVar variation 1325030 (VCV001325030.8), dbSNP rs2145682923, ClinGen allele CA2573054760.
Genomic context (GRCh38, chr19:38,517,653, plus strand): 5'-TCACCTCTGACCACCTCAACTCCCTGCTGGGGAATATCCTGAGAATCATCGTCAACAACC[TG>T]GGCATTGACGAGGCCTCCTGGATGAAGCGGCTGGCTGGTGGGTCGGGGGGCACTGGGCCT-3'